The following is an entry in ClinVar:

ClinVar aggregate classification (germline): Uncertain significance (1 of 4 stars; one submission).

Conditions:
Cardiovascular phenotype. Identifiers: MedGen CN230736.

gnomAD v4.1: 5 of 1,567,058 alleles (0.00032%); highest among the groups gnomAD compares: Admixed American, 0.009%; no homozygotes.

Submission:

Ambry Genetics
Classification: Uncertain significance for Cardiovascular phenotype. Last evaluated: 2023-05-25. Review status: criteria provided, single submitter. Criteria: Ambry Variant Classification Scheme 2023. Collection method: clinical testing. Allele origin: germline.
Comment: The c.774G>C variant (also known as p.L258L) is located in coding exon 8 of the TECRL gene. This variant results from a G to C substitution at nucleotide position 774. This nucleotide substitution does not change the leucine at codon 258. However, this change occurs in the last base pair of coding exon 8, which makes it likely to have some effect on normal mRNA splicing. This nucleotide position is highly conserved in available vertebrate species. In silico splice site analysis predicts that this alteration will weaken the native splice donor site. Since supporting evidence is limited at this time, the clinical significance of this alteration remains unclear.

NM_001010874.5(TECRL):c.774G>C (p.Leu258=)

Gene: TECRL (trans-2,3-enoyl-CoA reductase like; minus strand). Cytogenetic location: 4q13.1.
Variant type: single nucleotide variant.
Coding change: c.774G>C on transcript NM_001010874.5 (MANE Select); coding-DNA position 774, G replaced by C.
Protein change: p.Leu258=; no amino-acid change (leucine 258 retained).
Molecular consequence: synonymous variant.
Genome position (GRCh38, 1-based): chr4:64,299,974, C>G on the plus strand (G>C on the coding strand, the complement: TECRL is on the minus strand). VCF-style: chr4-64299974-C-G. GRCh37 (hg19) VCF-style: chr4-65165692-C-G.
Other names: c.774G>C, p.Leu258= (NM_001363796.1).
Identifiers: ClinVar variation 2564184 (VCV002564184.2), dbSNP rs1378298597, ClinGen allele CA439631678.